The following is an entry in ClinVar:

NM_020765.3(UBR4):c.12334C>G (p.Arg4112Gly)

Gene: UBR4 (ubiquitin protein ligase E3 component n-recognin 4; minus strand). Cytogenetic location: 1p36.13.
Variant type: single nucleotide variant.
Coding change: c.12334C>G on transcript NM_020765.3 (MANE Select); coding-DNA position 12334, C replaced by G.
Protein change: p.Arg4112Gly; replaces arginine 4112 with glycine.
Molecular consequence: missense variant.
Genome position (GRCh38, 1-based): chr1:19,106,628, G>C on the plus strand (C>G on the coding strand, the complement: UBR4 is on the minus strand). VCF-style: chr1-19106628-G-C. GRCh37 (hg19) VCF-style: chr1-19433122-G-C.
Other names: short protein forms R4112G.
Identifiers: ClinVar variation 2214210 (VCV002214210.4), dbSNP rs763276053, ClinGen allele CA648753.
Genomic context (GRCh38, chr1:19,106,628, plus strand): 5'-CTTGTCGCAGCCAGTTGTTATGCCCCAGTTTGAGATCCAAGGGGGAGGTCCTCTTCCCCC[G>C]ACGACTCAGGAACTGTTTCCACCTCCACACATACTTCTCAGTCAAATAGAGATGGCGGAG-3'
Protein context (NP_065816.2, residues 4102-4122): VWRWKQFLSR[Arg4112Gly]GKRTSPLDLK

ClinVar aggregate classification (germline): Uncertain significance. Review status: criteria provided, multiple submitters, no conflicts (2 of 4 stars). 2 submissions from 2 submitters: Uncertain significance (2). Last evaluated 2025-06-06.

Conditions:
UBR4-related disorder. Also called: UBR4-related condition.

Submissions (2):

Ambry Genetics
Classification: Uncertain significance. Last evaluated: 2025-06-06. Review status: criteria provided, single submitter. Criteria: Ambry Variant Classification Scheme 2023. Collection method: clinical testing. Allele origin: germline.

PreventionGenetics, part of Exact Sciences
Classification: Uncertain significance for UBR4-related condition. Last evaluated: 2025-05-12. Review status: criteria provided, single submitter. Criteria: ACMG Guidelines, 2015. Collection method: clinical testing. Allele origin: germline.
Comment: The UBR4 c.12334C>G variant is predicted to result in the amino acid substitution p.Arg4112Gly. To our knowledge, this variant has not been reported in the literature. This variant is reported in 0.0040% of alleles in individuals of African descent in gnomAD. At this time, the clinical significance of this variant is uncertain due to the absence of conclusive functional and genetic evidence.